The following is an entry in ClinVar:

ClinVar aggregate classification (germline): Uncertain significance. Review status: criteria provided, multiple submitters, no conflicts (2 of 4 stars). 3 submissions from 3 submitters: Uncertain significance (2). 1 of the submissions does not count toward it. Last evaluated 2025-12-15.

Conditions:
Inborn genetic diseases. Identifiers: MedGen C0950123, MeSH D030342.
Fanconi anemia (FA). Also called: Fanconi's anemia. Identifiers: Orphanet 84, MedGen C0015625, MeSH D005199, MONDO:0019391.

Allele frequency attached by ClinVar (database versions not stated): ExAC 0.00001; gnomAD exomes 0.00002.
gnomAD v4.1: 12 of 1,614,002 alleles (0.00074%); highest among the groups gnomAD compares: Non-Finnish European, 0.00059%; no homozygotes.

Submissions (3):

Ambry Genetics
Classification: Uncertain significance for Inborn genetic diseases. Last evaluated: 2025-12-15. Review status: criteria provided, single submitter. Criteria: Ambry Variant Classification Scheme 2023. Collection method: clinical testing. Allele origin: germline.

Labcorp Genetics (formerly Invitae), Labcorp
Classification: Uncertain significance for Fanconi anemia. Last evaluated: 2022-07-13. Review status: criteria provided, single submitter. Criteria: Invitae Variant Classification Sherloc (09022015). Collection method: clinical testing. Allele origin: germline.
Comment: This sequence change replaces glycine, which is neutral and non-polar, with arginine, which is basic and polar, at codon 304 of the FANCA protein (p.Gly304Arg). This variant is present in population databases (rs775212719, gnomAD 0.02%). This variant has not been reported in the literature in individuals affected with FANCA-related conditions. ClinVar contains an entry for this variant (Variation ID: 967276). Advanced modeling of protein sequence and biophysical properties (such as structural, functional, and spatial information, amino acid conservation, physicochemical variation, residue mobility, and thermodynamic stability) performed at Invitae indicates that this missense variant is not expected to disrupt FANCA protein function. In summary, the available evidence is currently insufficient to determine the role of this variant in disease. Therefore, it has been classified as a Variant of Uncertain Significance.

Natera, Inc.
Classification: Uncertain significance for Fanconi anemia. Last evaluated: 2020-08-12. Review status: no assertion criteria provided. Collection method: clinical testing. Allele origin: germline. Not counted in ClinVar's aggregate classification.

NM_000135.4(FANCA):c.910G>C (p.Gly304Arg)

Gene: FANCA (FA complementation group A; minus strand). Cytogenetic location: 16q24.3.
Variant type: single nucleotide variant.
Coding change: c.910G>C on transcript NM_000135.4 (MANE Select); coding-DNA position 910, G replaced by C.
Protein change: p.Gly304Arg; replaces glycine 304 with arginine.
Molecular consequence: missense variant.
Genome position (GRCh38, 1-based): chr16:89,796,002, C>G on the plus strand (G>C on the coding strand, the complement: FANCA is on the minus strand). VCF-style: chr16-89796002-C-G. GRCh37 (hg19) VCF-style: chr16-89862410-C-G.
Other names: c.910G>C, p.Gly304Arg (NM_001286167.3); short protein forms G304R.
Identifiers: ClinVar variation 967276 (VCV000967276.8), dbSNP rs775212719, ClinGen allele CA8252635.
Genomic context (GRCh38, chr16:89,796,002, plus strand): 5'-GGGTATGACTGAAGAACCTCTTCAGAGGATCTGTGGAAATTACACTGCCAAGCGTGTGTC[C>G]ACTGAACACTCCGAACCTGCCAATGCAGCAGAAAGAGGGGTCAGGAAAGGGAGGGTGCCT-3'
Protein context (NP_000126.2, residues 294-314): IVRCWFGVFS[Gly304Arg]HTLGSVISTD